The following is an entry in ClinVar:

NM_033109.5(PNPT1):c.574C>T (p.Arg192Ter)

Gene: PNPT1 (polyribonucleotide nucleotidyltransferase 1; minus strand). Cytogenetic location: 2p16.1.
Variant type: single nucleotide variant.
Coding change: c.574C>T on transcript NM_033109.5 (MANE Select); coding-DNA position 574, C replaced by T.
Protein change: p.Arg192Ter; replaces arginine 192 with a stop codon.
Molecular consequence: nonsense.
Genome position (GRCh38, 1-based): chr2:55,679,787, G>A on the plus strand (C>T on the coding strand, the complement: PNPT1 is on the minus strand). VCF-style: chr2-55679787-G-A. GRCh37 (hg19) VCF-style: chr2-55906922-G-A.
Other names: c.574C>T (NM_033109.4); short protein forms R192*.
Identifiers: ClinVar variation 1705644 (VCV001705644.5), dbSNP rs991366882, ClinGen allele CA47664832.
Genomic context (GRCh38, chr2:55,679,787, plus strand): 5'-TAGAAGACATTTCTTTTCTTGTTGGGTTAACAACATATTCTCCATCAATTATTCCTATTC[G>A]TACTGCCCCTAAAATGTATTAGAATATTGGCAACTGTTTAATGGAAATACCCAGTTTTCA-3'

ClinVar aggregate classification (germline): Pathogenic. Review status: criteria provided, multiple submitters, no conflicts (2 of 4 stars). 3 submissions from 3 submitters: Pathogenic (3). Last evaluated 2024-11-18.

Conditions:
Autosomal recessive nonsyndromic hearing loss 70. Also called: Deafness, autosomal recessive 70. Identifiers: Orphanet 90636, MedGen C1824925, MONDO:0013978, OMIM 614934.

Allele frequency attached by ClinVar (database versions not stated): TOPMed below 0.00001; gnomAD exomes below 0.00001.
gnomAD v4.1: 7 of 1,598,432 alleles (0.00044%); highest among the groups gnomAD compares: Non-Finnish European, 0.00051%; no homozygotes.

Submissions (3):

Labcorp Genetics (formerly Invitae), Labcorp
Classification: Pathogenic. Last evaluated: 2024-11-18. Review status: criteria provided, single submitter. Criteria: Invitae Variant Classification Sherloc (09022015). Collection method: clinical testing. Allele origin: germline.
Comment: This sequence change creates a premature translational stop signal (p.Arg192*) in the PNPT1 gene. It is expected to result in an absent or disrupted protein product. Loss-of-function variants in PNPT1 are known to be pathogenic (PMID: 28594066, 30244537). This variant is not present in population databases (gnomAD no frequency). This premature translational stop signal has been observed in individual(s) with PNPT1-related conditions (PMID: 28594066, 32020600). ClinVar contains an entry for this variant (Variation ID: 1705644). Algorithms developed to predict the effect of sequence changes on RNA splicing suggest that this variant may disrupt the consensus splice site. For these reasons, this variant has been classified as Pathogenic.

GeneDx
Classification: Pathogenic. Last evaluated: 2024-01-04. Review status: criteria provided, single submitter. Criteria: GeneDx Variant Classification Process June 2021. Collection method: clinical testing. Allele origin: germline.
Comment: Nonsense variant predicted to result in protein truncation or nonsense mediated decay in a gene for which loss-of-function is a known mechanism of disease; Not observed at significant frequency in large population cohorts (gnomAD); This variant is associated with the following publications: (PMID: 32020600, 27535533, 28594066)

3billion
Classification: Pathogenic for Autosomal recessive nonsyndromic hearing loss 70. Last evaluated: 2022-09-01. Review status: criteria provided, single submitter. Criteria: ACMG Guidelines, 2015. Collection method: clinical testing. Allele origin: germline. Affected: yes. Observed: 1 heterozygote.
Comment: The variant is not observed in the gnomAD v2.1.1 dataset. Stop-gained (nonsense) is predicted to result in a loss or disruption of normal protein function through nonsense-mediated decay (NMD) or protein truncation. Multiple pathogenic variants are reported downstream of the variant. Functional studies provide strong evidence of the variant having a damaging effect on the gene or gene product (PMID: 28594066). The variant has been reported to be associated with PNPT1-related disorder (PMID: 28594066). Therefore, this variant is classified as Pathogenic according to the recommendation of ACMG/AMP guideline.

Literature cited by the submitters: PubMed 28594066 (cited by Labcorp Genetics (formerly Invitae), Labcorp and 3billion); PubMed 30244537 (cited by Labcorp Genetics (formerly Invitae), Labcorp); PubMed 32020600 (cited by Labcorp Genetics (formerly Invitae), Labcorp).